The following is an entry in ClinVar:

NM_016239.4(MYO15A):c.956dup (p.Ser320fs)

Gene: MYO15A (myosin XVA; plus strand). Cytogenetic location: 17p11.2.
Variant type: Duplication.
Coding change: c.956dup on transcript NM_016239.4 (MANE Select); coding-DNA position 956, one base duplicated (C; older notation c.956dupC).
Protein change: p.Ser320fs; shifts the reading frame from serine 320.
Molecular consequence: frameshift variant.
Genome position (GRCh38, 1-based): chr17:18,119,756, C duplicated; the last of 5 consecutive C bases (chr17:18,119,752-18,119,756); duplicating any one gives the same sequence. VCF-style (leftmost placement, unchanged base first): chr17-18119751-G-GC. GRCh37 (hg19) VCF-style: chr17-18023065-G-GC.
Other names: short protein forms S320fs.
Identifiers: ClinVar variation 2852491 (VCV002852491.3), dbSNP rs1567620374, ClinGen allele CA2636437007.

ClinVar aggregate classification (germline): Pathogenic (1 of 4 stars; one submission).

Submission:

Labcorp Genetics (formerly Invitae), Labcorp
Classification: Pathogenic. Last evaluated: 2023-04-06. Review status: criteria provided, single submitter. Criteria: Invitae Variant Classification Sherloc (09022015). Collection method: clinical testing. Allele origin: germline.
Comment: This variant is not present in population databases (gnomAD no frequency). This variant has not been reported in the literature in individuals affected with MYO15A-related conditions. For these reasons, this variant has been classified as Pathogenic. This sequence change creates a premature translational stop signal (p.Ser320Valfs*38) in the MYO15A gene. It is expected to result in an absent or disrupted protein product. Loss-of-function variants in MYO15A are known to be pathogenic (PMID: 17546645).

Literature cited by the submitters: PubMed 17546645.